The following is an entry in ClinVar:

ClinVar aggregate classification (germline): Benign/Likely benign. Review status: criteria provided, multiple submitters, no conflicts (2 of 4 stars). 5 submissions from 5 submitters: Benign (4); Likely benign (1). Last evaluated 2026-09-01.

Allele frequency attached by ClinVar (database versions not stated): gnomAD 0.00729 and 0.00732; ExAC 0.00736; ESP Exome Variant Server 0.00866; 1000 Genomes Project 0.00359; 1000 Genomes Project 30x 0.00390; TOPMed 0.00709.
gnomAD v4.1: 14,640 of 1,604,596 alleles (0.91%); highest among the groups gnomAD compares: Non-Finnish European, 1.1%; 78 homozygotes.

Submissions (5):

CeGaT Center for Human Genetics Tuebingen
Classification: Benign. Last evaluated: 2026-09-01. Review status: criteria provided, single submitter. Criteria: CeGaT Center For Human Genetics Tuebingen Variant Classification Criteria Version 2. Collection method: clinical testing. Allele origin: germline. Affected: yes. Observed: 23 variant alleles.
Comment: COL18A1: BP4, BS1, BS2

Labcorp Genetics (formerly Invitae), Labcorp
Classification: Benign. Last evaluated: 2026-02-03. Review status: criteria provided, single submitter. Criteria: Invitae Variant Classification Sherloc (09022015). Collection method: clinical testing. Allele origin: germline.

Blueprint Genetics
Classification: Likely benign. Last evaluated: 2024-11-27. Review status: criteria provided, single submitter. Criteria: ACMG Guidelines, 2015. Collection method: clinical testing. Allele origin: germline.

Genetic Services Laboratory, University of Chicago
Classification: Benign. Last evaluated: 2018-06-11. Review status: criteria provided, single submitter. Criteria: ACMG Guidelines, 2015. Collection method: clinical testing. Allele origin: germline. Affected: no.

Breakthrough Genomics
Classification: Benign. Review status: criteria provided, single submitter. Criteria: ACMG Guidelines, 2015. Collection method: not provided. Allele origin: germline. Inheritance: Autosomal recessive inheritance. Affected: yes.

NM_001379500.1(COL18A1):c.107-12174G>A

Gene: COL18A1 (collagen type XVIII alpha 1 chain; plus strand). Cytogenetic location: 21q22.3.
Variant type: single nucleotide variant.
Coding change: c.107-12174G>A on transcript NM_001379500.1 (MANE Select); 12174 bases into the intron before coding-DNA position 107, G replaced by A.
Molecular consequence: intron variant. On other transcripts: missense variant (2).
Genome position (GRCh38, 1-based): chr21:45,456,068, G>A. VCF-style: chr21-45456068-G-A. GRCh37 (hg19) VCF-style: chr21-46875982-G-A.
Other names: c.538G>A, p.Ala180Thr (NM_030582.4, NM_130444.3); short protein forms A180T.
Identifiers: ClinVar variation 1169109 (VCV001169109.39), dbSNP rs148957774, ClinGen allele CA10065506.